The following is an entry in ClinVar:

ClinVar aggregate classification (germline): Benign/Likely benign. Review status: criteria provided, multiple submitters, no conflicts (2 of 4 stars). 2 submissions from 2 submitters: Benign (1); Likely benign (1). Last evaluated 2024-11-05.

Conditions:
Papillary renal cell carcinoma type 1 (RCCP1). Also called: RENAL CELL CARCINOMA, PAPILLARY, 1, SOMATIC; Renal adenocarcinoma; Renal cell carcinoma 1; Renal cell carcinoma, somatic. Identifiers: Orphanet 47044, MedGen C1336839, OMIM 605074, HP:0011797.
Renal cell carcinoma. Identifiers: Orphanet 217071, MedGen C0007134, MeSH D002292, MONDO:0005086, HP:0005584.

gnomAD v4.1: 3 of 1,613,814 alleles (0.00019%); highest among the groups gnomAD compares: South Asian, 0.0011%; no homozygotes.

Submissions (2):

Myriad Genetics, Inc.
Classification: Benign for Papillary renal cell carcinoma type 1. Last evaluated: 2024-11-05. Review status: criteria provided, single submitter. Criteria: Myriad Autosomal Dominant, Autosomal Recessive and X-Linked Classification Criteria (2023). Collection method: clinical testing. Allele origin: unknown.
Comment: This variant is considered benign. This variant is a silent/synonymous amino acid change and it is not expected to impact splicing.

Labcorp Genetics (formerly Invitae), Labcorp
Classification: Likely benign for Renal cell carcinoma. Last evaluated: 2024-07-20. Review status: criteria provided, single submitter. Criteria: Invitae Variant Classification Sherloc (09022015). Collection method: clinical testing. Allele origin: germline.

NM_000245.4(MET):c.84G>A (p.Glu28=)

Gene: MET (MET proto-oncogene, receptor tyrosine kinase; plus strand). Cytogenetic location: 7q31.2.
Variant type: single nucleotide variant.
Coding change: c.84G>A on transcript NM_000245.4 (MANE Select); coding-DNA position 84, G replaced by A.
Protein change: p.Glu28=; no amino-acid change (glutamic acid 28 retained).
Molecular consequence: synonymous variant. On other transcripts: intron variant (1).
Genome position (GRCh38, 1-based): chr7:116,699,168, G>A. VCF-style: chr7-116699168-G-A. GRCh37 (hg19) VCF-style: chr7-116339222-G-A.
Other names: c.84G>A, p.Glu28= (NM_001127500.3, NM_001324401.3); c.-91+26591G>A (NM_001324402.2).
Identifiers: ClinVar variation 3656210 (VCV003656210.3).